The following is an entry in ClinVar:

ClinVar aggregate classification (germline): Likely benign. Review status: criteria provided, multiple submitters, no conflicts (2 of 4 stars). 2 submissions from 2 submitters: Likely benign (2). Last evaluated 2018-06-14.

Allele frequency attached by ClinVar (database versions not stated): gnomAD exomes 0.00058; gnomAD 0.00567 and 0.00613; 1000 Genomes Project 30x 0.00578; 1000 Genomes Project 0.00579; TOPMed 0.00636.
gnomAD v4.1: 1,739 of 1,596,180 alleles (0.11%); highest among the groups gnomAD compares: African/African-American, 2%; 11 homozygotes.

Submissions (2):

GeneDx
Classification: Likely benign. Last evaluated: 2018-06-14. Review status: criteria provided, single submitter. Criteria: GeneDx Variant Classification (06012015). Collection method: clinical testing. Allele origin: germline. Affected: yes.
Comment: This variant is considered likely benign or benign based on one or more of the following criteria: it is a conservative change, it occurs at a poorly conserved position in the protein, it is predicted to be benign by multiple in silico algorithms, and/or has population frequency not consistent with disease.

Breakthrough Genomics
Classification: Likely benign. Review status: criteria provided, single submitter. Criteria: ACMG Guidelines, 2015. Collection method: not provided. Allele origin: germline. Inheritance: Autosomal recessive inheritance. Affected: yes.

NM_006886.4(ATP5F1E):c.33-65A>T

Genes: ATP5F1E (ATP synthase F1 subunit epsilon; minus strand), SLMO2-ATP5E (SLMO2-ATP5E readthrough; minus strand). Cytogenetic location: 20q13.32.
Variant type: single nucleotide variant.
Coding change: c.33-65A>T on transcript NM_006886.4 (MANE Select); 65 bases into the intron before coding-DNA position 33, A replaced by T.
Molecular consequence: intron variant.
Genome position (GRCh38, 1-based): chr20:59,030,494, T>A on the plus strand (A>T on the coding strand, the complement: ATP5F1E is on the minus strand). VCF-style: chr20-59030494-T-A. GRCh37 (hg19) VCF-style: chr20-57605549-T-A.
Identifiers: ClinVar variation 677602 (VCV000677602.2), dbSNP rs78735620, ClinGen allele CA14836499.
Genomic context (GRCh38, chr20:59,030,494, plus strand): 5'-GAGAAAATGAGAGAAGGTATATGGTTAATTATCAATATTCCAGCCAGACAGCTGTTACTG[T>A]GTTTTCGCTTTTCTTCCTGTACTTTTTATTTTGGTTTGGTTGTACCTTATTGTAGAATTG-3'